The following is an entry in ClinVar:

NM_000264.5(PTCH1):c.2891C>T (p.Pro964Leu)

Gene: PTCH1 (patched 1; minus strand). Cytogenetic location: 9q22.32.
Variant type: single nucleotide variant.
Coding change: c.2891C>T on transcript NM_000264.5 (MANE Select); coding-DNA position 2891, C replaced by T.
Protein change: p.Pro964Leu; replaces proline 964 with leucine.
Molecular consequence: missense variant. On other transcripts: non-coding transcript variant (1).
Genome position (GRCh38, 1-based): chr9:95,458,290, G>A on the plus strand (C>T on the coding strand, the complement: PTCH1 is on the minus strand). VCF-style: chr9-95458290-G-A. GRCh37 (hg19) VCF-style: chr9-98220572-G-A.
Other names: c.2693C>T, p.Pro898Leu (NM_001083602.3); c.2888C>T, p.Pro963Leu (NM_001083603.3); c.2438C>T, p.Pro813Leu (NM_001083604.3, NM_001083605.3, NM_001083606.3 and 1 more transcripts); c.2735C>T, p.Pro912Leu (NM_001354918.2); short protein forms P964L, P898L, P813L, P912L, P963L.
Identifiers: ClinVar variation 524555 (VCV000524555.12), dbSNP rs377120922, ClinGen allele CA5138288.
Genomic context (GRCh38, chr9:95,458,290, plus strand): 5'-GTGTCCCGCAAGCCGTTGAGGTAGAAAGGGAACTGGGCATACTCGATGGGCTCTGCTGCC[G>A]GGACTGGACAGAGAAGGGCACAGGTTAGGAGCAGCCCAGGGTAGAAGAGCATCACAGTTT-3'
Protein context (NP_000255.2, residues 954-974): DYMPETRLRI[Pro964Leu]AAEPIEYAQF

ClinVar aggregate classification (germline): Conflicting classifications of pathogenicity. Review status: criteria provided, conflicting classifications (1 of 4 stars). 2 submissions from 2 submitters: Uncertain significance (1); Likely benign (1). Last evaluated 2025-09-28.

Conditions:
Hereditary cancer-predisposing syndrome. Also called: Neoplastic Syndromes, Hereditary; Tumor predisposition; Hereditary Cancer Syndrome; Hereditary neoplastic syndrome. Identifiers: Orphanet 140162, MedGen C0027672, MeSH D009386, MONDO:0015356.
Gorlin syndrome. Also called: Nevoid Basal Cell Carcinoma Syndrome; Basal cell nevus syndrome. Identifiers: Orphanet 377, MedGen C0004779, MONDO:0007187.

Allele frequency attached by ClinVar (database versions not stated): gnomAD exomes below 0.00001; ExAC 0.00001; gnomAD 0.00001; TOPMed 0.00001.
gnomAD v4.1: 6 of 1,613,222 alleles (0.00037%); highest among the groups gnomAD compares: South Asian, 0.0033%; no homozygotes.

Submissions (2):

Labcorp Genetics (formerly Invitae), Labcorp
Classification: Likely benign for Gorlin syndrome. Last evaluated: 2025-09-28. Review status: criteria provided, single submitter. Criteria: Invitae Variant Classification Sherloc (09022015). Collection method: clinical testing. Allele origin: germline.

Ambry Genetics
Classification: Uncertain significance for Hereditary cancer-predisposing syndrome. Last evaluated: 2025-01-14. Review status: criteria provided, single submitter. Criteria: Ambry Variant Classification Scheme 2023. Collection method: clinical testing. Allele origin: germline.
Comment: The p.P964L variant (also known as c.2891C>T), located in coding exon 18 of the PTCH1 gene, results from a C to T substitution at nucleotide position 2891. The proline at codon 964 is replaced by leucine, an amino acid with similar properties. This amino acid position is highly conserved in available vertebrate species. In addition, this alteration is predicted to be deleterious by in silico analysis. Based on the available evidence, the clinical significance of this variant remains unclear.